The following is an entry in ClinVar:

NM_001161352.2(KCNMA1):c.2026dup (p.Tyr676fs)

Gene: KCNMA1 (potassium calcium-activated channel subfamily M alpha 1; minus strand). Cytogenetic location: 10q22.3.
Variant type: Duplication.
Coding change: c.2026dup on transcript NM_001161352.2 (MANE Select); coding-DNA position 2026, one base duplicated (T; older notation c.2026dupT).
Protein change: p.Tyr676fs; shifts the reading frame from tyrosine 676.
Molecular consequence: frameshift variant.
Genome position (GRCh38, 1-based): chr10:77,012,033, A duplicated on the plus strand (T on the coding strand, the reverse complement: KCNMA1 is on the minus strand); the first of 7 consecutive A bases (chr10:77,012,033-77,012,039); duplicating any one gives the same sequence. VCF-style (leftmost placement, unchanged base first): chr10-77012032-T-TA. GRCh37 (hg19) VCF-style: chr10-78771790-T-TA.
Other names: c.2026dupT (NM_001161352.1); c.2038dup, p.Tyr680fs (NM_001014797.3, NM_001322837.2, NM_001322830.2 and 1 more transcripts); c.1486dup, p.Tyr496fs (NM_001322838.2); c.2026dup, p.Tyr676fs (NM_002247.4, NM_001161353.2, NM_001271519.2 and 3 more transcripts); c.2026dup (NM_002247.3); c.1876dup, p.Tyr626fs (NM_001271518.2); short protein forms Y496fs, Y626fs, Y680fs, Y676fs.
Identifiers: ClinVar variation 437872 (VCV000437872.4), dbSNP rs762705295, ClinGen allele CA5568234.
Genomic context (GRCh38, chr10:77,012,032, plus strand): 5'-TTGCAGCCACATTTTTTTATTCTTTTGGGATCTGTGATGTCATCATGACAGGCCTTGCAG[T>TA]AAAAAAATGCCCTGGAGAAAGAGAATGGAAAAACTGACACGTTTCATAATCCACCCAAAT-3'

ClinVar aggregate classification (germline): Pathogenic. Review status: criteria provided, single submitter (1 of 4 stars). 2 submissions from 2 submitters: Pathogenic (1). 1 of the submissions does not count toward it. Last evaluated 2023-04-17.

Conditions:
Cerebellar atrophy, developmental delay, and seizures. Identifiers: MedGen C4539985, MONDO:0060551, OMIM 617643.

Submissions (2):

GeneDx
Classification: Pathogenic. Last evaluated: 2023-04-17. Review status: criteria provided, single submitter. Criteria: GeneDx Variant Classification Process June 2021. Collection method: clinical testing. Allele origin: germline. Affected: yes.
Comment: Not observed at significant frequency in large population cohorts (gnomAD); Frameshift variant predicted to result in protein truncation or nonsense mediated decay in a gene for which loss of function is a known mechanism of disease; This variant is associated with the following publications: (PMID: 27567911)

OMIM
Classification: Pathogenic for CEREBELLAR ATROPHY, DEVELOPMENTAL DELAY, AND SEIZURES. Last evaluated: 2019-09-26. Review status: no assertion criteria provided. Collection method: literature only. Allele origin: germline. Not counted in ClinVar's aggregate classification.

Literature cited by the submitters: PubMed 27567911 (cited by OMIM).